The following is an entry in ClinVar:

NM_198525.3(KIF7):c.3148G>A (p.Glu1050Lys)

Gene: KIF7 (kinesin family member 7; minus strand). Cytogenetic location: 15q26.1.
Variant type: single nucleotide variant.
Coding change: c.3148G>A on transcript NM_198525.3 (MANE Select); coding-DNA position 3148, G replaced by A.
Protein change: p.Glu1050Lys; replaces glutamic acid 1050 with lysine.
Molecular consequence: missense variant.
Genome position (GRCh38, 1-based): chr15:89,630,457, C>T on the plus strand (G>A on the coding strand, the complement: KIF7 is on the minus strand). VCF-style: chr15-89630457-C-T. GRCh37 (hg19) VCF-style: chr15-90173688-C-T.
Other names: short protein forms E1050K.
Identifiers: ClinVar variation 2202659 (VCV002202659.5), dbSNP rs983384787, ClinGen allele CA274564587.

ClinVar aggregate classification (germline): Uncertain significance. Review status: criteria provided, multiple submitters, no conflicts (2 of 4 stars). 2 submissions from 2 submitters: Uncertain significance (2). Last evaluated 2024-02-24.

Conditions:
Acrocallosal syndrome (ACLS). Also called: HALLUX DUPLICATION, POSTAXIAL POLYDACTYLY, AND ABSENCE OF CORPUS CALLOSUM; Schinzel syndrome 1; Absence of corpus callosum with unusual facial appearance, mental deficiency, duplication of the halluces and polydactyly. Identifiers: Orphanet 36, MedGen C0796147, MONDO:0008708, OMIM 200990.
Hydrolethalus syndrome 2 (HLS2). Identifiers: Orphanet 2189, MedGen C3279899, MONDO:0013585, OMIM 614120.
Multiple epiphyseal dysplasia, Al-Gazali type. Also called: Macrocephaly with multiple epiphyseal dysplasia and distinctive facies. Identifiers: Orphanet 166024, MedGen C1846722, MONDO:0011778, OMIM 607131.

gnomAD v4.1: 5 of 1,569,952 alleles (0.00032%); highest among the groups gnomAD compares: Non-Finnish European, 0.00043%; no homozygotes.

Submissions (2):

Labcorp Genetics (formerly Invitae), Labcorp
Classification: Uncertain significance for Acrocallosal syndrome. Last evaluated: 2024-02-24. Review status: criteria provided, single submitter. Criteria: Invitae Variant Classification Sherloc (09022015). Collection method: clinical testing. Allele origin: germline.
Comment: This sequence change replaces glutamic acid, which is acidic and polar, with lysine, which is basic and polar, at codon 1050 of the KIF7 protein (p.Glu1050Lys). This variant is not present in population databases (gnomAD no frequency). This variant has not been reported in the literature in individuals affected with KIF7-related conditions. ClinVar contains an entry for this variant (Variation ID: 2202659). Advanced modeling of protein sequence and biophysical properties (such as structural, functional, and spatial information, amino acid conservation, physicochemical variation, residue mobility, and thermodynamic stability) has been performed at Invitae for this missense variant, however the output from this modeling did not meet the statistical confidence thresholds required to predict the impact of this variant on KIF7 protein function. In summary, the available evidence is currently insufficient to determine the role of this variant in disease. Therefore, it has been classified as a Variant of Uncertain Significance.

Fulgent Genetics
Classification: Uncertain significance for Acrocallosal syndrome; Multiple epiphyseal dysplasia, Al-Gazali type; Hydrolethalus syndrome 2. Last evaluated: 2024-01-06. Review status: criteria provided, single submitter. Criteria: ACMG Guidelines, 2015. Collection method: clinical testing. Allele origin: germline.